The following is an entry in ClinVar:

ClinVar aggregate classification (germline): Likely pathogenic. Review status: criteria provided, multiple submitters, no conflicts (2 of 4 stars). 3 submissions from 3 submitters: Likely pathogenic (3). Last evaluated 2025-09-17.

Conditions:
Autosomal dominant Alport syndrome (ATS3A). Also called: ALPORT SYNDROME 3A, AUTOSOMAL DOMINANT; Alport syndrome dominant type; Renal failure and sensorineural hearing loss. Identifiers: Orphanet 63, Orphanet 88918, MedGen C5882663, MONDO:0007086, OMIM 104200.
Benign familial hematuria. Also called: thin basement membrane disease. Identifiers: MedGen C0241908, MONDO:0957317.
Alport syndrome. Also called: Hemorrhagic familial nephritis; Hemorrhagic hereditary nephritis; Congenital hereditary hematuria. Identifiers: Orphanet 63, MedGen C1567741, MONDO:0018965.

Allele frequency attached by ClinVar (database versions not stated): TOPMed below 0.00001.
gnomAD v4.1: 1 of 1,606,730 alleles (0.000062%); highest among the groups gnomAD compares: Non-Finnish European, 0.000085%; no homozygotes.

Submissions (3):

Natera, Inc.
Classification: Likely pathogenic for Alport syndrome. Last evaluated: 2025-09-17. Review status: criteria provided, single submitter. Criteria: Natera Variant Classification Schema (03/2026). Collection method: clinical testing. Allele origin: germline.
Comment: The c.2207G>T variant in COL4A3 is a missense variant predicted to cause substitution of glycine to valine at amino acid 736. This variant is rare in the general population with a frequency below the threshold expected for the associated phenotype(s). This variant has been observed in affected individual(s) with monoallelic occurrence (heterozygous/hemizygous) (PMID: 33369211). This variant is located in a functionally critical region of the protein. Computational prediction algorithms indicate this variant is likely to affect gene or protein function. Given the available evidence, this variant is classified as Likely Pathogenic.

Labcorp Genetics (formerly Invitae), Labcorp
Classification: Likely pathogenic. Last evaluated: 2025-08-21. Review status: criteria provided, single submitter. Criteria: Invitae Variant Classification Sherloc (09022015). Collection method: clinical testing. Allele origin: germline.
Comment: This sequence change replaces glycine, which is neutral and non-polar, with valine, which is neutral and non-polar, at codon 736 of the COL4A3 protein (p.Gly736Val). This variant is not present in population databases (gnomAD no frequency). This missense change has been observed in individuals with clinical features of COL4A3-related conditions (PMID: 33369211; internal data). It has also been observed to segregate with disease in related individuals. ClinVar contains an entry for this variant (Variation ID: 870361). Invitae Evidence Modeling of protein sequence and biophysical properties (such as structural, functional, and spatial information, amino acid conservation, physicochemical variation, residue mobility, and thermodynamic stability) indicates that this missense variant is expected to disrupt COL4A3 protein function with a positive predictive value of 80%. In summary, the currently available evidence indicates that the variant is pathogenic, but additional data are needed to prove that conclusively. Therefore, this variant has been classified as Likely Pathogenic.

Medical Genetics, University of Parma
Classification: Likely pathogenic for Autosomal dominant Alport syndrome; Hematuria, benign familial, 1. Last evaluated: 2020-03-11. Review status: criteria provided, single submitter. Criteria: ACMG Guidelines, 2015. Collection method: clinical testing. Allele origin: germline. Affected: yes.

Literature cited by the submitters: PubMed 33369211 (cited by Natera, Inc. and Labcorp Genetics (formerly Invitae), Labcorp).

NM_000091.5(COL4A3):c.2207G>T (p.Gly736Val)

Genes: COL4A3 (collagen type IV alpha 3 chain; plus strand), MFF-DT (MFF divergent transcript; minus strand). Cytogenetic location: 2q36.3.
Variant type: single nucleotide variant.
Coding change: c.2207G>T on transcript NM_000091.5 (MANE Select); coding-DNA position 2207, G replaced by T.
Protein change: p.Gly736Val; replaces glycine 736 with valine.
Molecular consequence: missense variant.
Genome position (GRCh38, 1-based): chr2:227,279,874, G>T. VCF-style: chr2-227279874-G-T. GRCh37 (hg19) VCF-style: chr2-228144590-G-T.
Other names: short protein forms G736V.
Identifiers: ClinVar variation 870361 (VCV000870361.8), dbSNP rs773317939, ClinGen allele CA350847909.